The following is an entry in ClinVar:

NM_006946.4(SPTBN2):c.5681G>T (p.Gly1894Val)

Gene: SPTBN2 (spectrin beta, non-erythrocytic 2; minus strand). Cytogenetic location: 11q13.2.
Variant type: single nucleotide variant.
Coding change: c.5681G>T on transcript NM_006946.4 (MANE Select); coding-DNA position 5681, G replaced by T.
Protein change: p.Gly1894Val; replaces glycine 1894 with valine.
Molecular consequence: missense variant.
Genome position (GRCh38, 1-based): chr11:66,690,168, C>A on the plus strand (G>T on the coding strand, the complement: SPTBN2 is on the minus strand). VCF-style: chr11-66690168-C-A. GRCh37 (hg19) VCF-style: chr11-66457639-C-A.
Other names: c.5702G>T, p.Gly1901Val (NM_001411025.1); short protein forms G1894V, G1901V.
Identifiers: ClinVar variation 3342431 (VCV003342431.1).

ClinVar aggregate classification (germline): Uncertain significance (1 of 4 stars; one submission).

gnomAD v4.1: 43 of 1,614,000 alleles (0.0027%); highest among the groups gnomAD compares: African/African-American, 0.056%; no homozygotes.

Submission:

GeneDx
Classification: Uncertain significance. Last evaluated: 2023-09-17. Review status: criteria provided, single submitter. Criteria: GeneDx Variant Classification Process June 2021. Collection method: clinical testing. Allele origin: germline. Affected: yes.
Comment: In silico analysis supports a deleterious effect on splicing; In silico analysis supports that this missense variant does not alter protein structure/function; Has not been previously published as pathogenic or benign to our knowledge